The following is an entry in ClinVar:

ClinVar aggregate classification (germline): Uncertain significance (1 of 4 stars; one submission).

Conditions:
Progressive myoclonic epilepsy. Also called: Familial progressive myoclonic epilepsy; Myoclonus epilepsy; Progressive myoclonus epilepsy; Myoclonic Epilepsies, Progressive. Identifiers: Orphanet 308, Orphanet 98261, MedGen C0751778, MONDO:0020074.

Submission:

Labcorp Genetics (formerly Invitae), Labcorp
Classification: Uncertain significance for Progressive myoclonic epilepsy. Last evaluated: 2022-10-18. Review status: criteria provided, single submitter. Criteria: Invitae Variant Classification Sherloc (09022015). Collection method: clinical testing. Allele origin: germline.
Comment: This variant, c.112_153dup, results in the insertion of 14 amino acid(s) of the EPM2A protein (p.Val38_Ala51dup), but otherwise preserves the integrity of the reading frame. This variant is present in population databases (no rsID available, gnomAD 0.01%). This variant has not been reported in the literature in individuals affected with EPM2A-related conditions. ClinVar contains an entry for this variant (Variation ID: 845081). Experimental studies and prediction algorithms are not available or were not evaluated, and the functional significance of this variant is currently unknown. In summary, the available evidence is currently insufficient to determine the role of this variant in disease. Therefore, it has been classified as a Variant of Uncertain Significance.

NM_005670.4(EPM2A):c.112_153dup (p.Val38_Ala51dup)

Genes: EPM2A (EPM2A glucan phosphatase, laforin; minus strand), EPM2A-DT (EPM2A divergent transcript; plus strand), LOC129997381 (ATAC-STARR-seq lymphoblastoid silent region 17642; plus strand). Cytogenetic location: 6q24.3.
Variant type: Duplication.
Coding change: c.112_153dup on transcript NM_005670.4 (MANE Select); coding-DNA positions 112 to 153, 42 bases duplicated.
Protein change: p.Val38_Ala51dup.
Molecular consequence: inframe insertion. On other transcripts: 5 prime UTR variant (3), intron variant (1).
Genome position (GRCh38, 1-based): chr6:145,735,346-145,735,387, 42 bases duplicated; duplicating any 42 consecutive bases within chr6:145,735,346-145,735,390 gives the same sequence; the c. name uses the placement nearest the transcript's 3' end. GRCh37 (hg19): chr6:146,056,485-146,056,526.
Other names: c.112_153dup, p.Val38_Ala51dup (NM_001018041.2, NM_001360057.2, NM_001368130.1); c.-558_-517dup (NM_001360071.2); c.-512_-471dup (NM_001368129.2); c.-256_-215dup (NM_001368131.1); c.-114+521_-114+562dup (NM_001360064.2).
Identifiers: ClinVar variation 845081 (VCV000845081.7), dbSNP rs1339413651, ClinGen allele CA571439442.